The following is an entry in ClinVar:

NM_000297.4(PKD2):c.421C>T (p.Leu141Phe)

Genes: PKD2 (polycystin 2, transient receptor potential cation channel; plus strand), LOC129992813 (ATAC-STARR-seq lymphoblastoid silent region 15559; plus strand). Cytogenetic location: 4q22.1.
Variant type: single nucleotide variant.
Coding change: c.421C>T on transcript NM_000297.4 (MANE Select); coding-DNA position 421, C replaced by T.
Protein change: p.Leu141Phe; replaces leucine 141 with phenylalanine.
Molecular consequence: missense variant. On other transcripts: non-coding transcript variant (1).
Genome position (GRCh38, 1-based): chr4:88,008,154, C>T. VCF-style: chr4-88008154-C-T. GRCh37 (hg19) VCF-style: chr4-88929306-C-T.
Other names: short protein forms L141F.
Identifiers: ClinVar variation 2010943 (VCV002010943.4), dbSNP rs1222727258, ClinGen allele CA357626578.

ClinVar aggregate classification (germline): Uncertain significance (1 of 4 stars; one submission).

Conditions:
Autosomal dominant polycystic kidney disease. Identifiers: Orphanet 730, MedGen C0085413, MONDO:0004691.

Allele frequency attached by ClinVar (database versions not stated): gnomAD exomes 0.00001.

Submission:

Labcorp Genetics (formerly Invitae), Labcorp
Classification: Uncertain significance for Autosomal dominant polycystic kidney disease. Last evaluated: 2022-06-26. Review status: criteria provided, single submitter. Criteria: Invitae Variant Classification Sherloc (09022015). Collection method: clinical testing. Allele origin: germline.
Comment: In summary, the available evidence is currently insufficient to determine the role of this variant in disease. Therefore, it has been classified as a Variant of Uncertain Significance. Algorithms developed to predict the effect of missense changes on protein structure and function are either unavailable or do not agree on the potential impact of this missense change (SIFT: "Tolerated"; PolyPhen-2: "Probably Damaging"; Align-GVGD: "Class C0"). This variant has not been reported in the literature in individuals affected with PKD2-related conditions. This variant is not present in population databases (gnomAD no frequency). This sequence change replaces leucine, which is neutral and non-polar, with phenylalanine, which is neutral and non-polar, at codon 141 of the PKD2 protein (p.Leu141Phe).